The following is an entry in ClinVar:

ClinVar aggregate classification (germline): Conflicting classifications of pathogenicity. Review status: criteria provided, conflicting classifications (1 of 4 stars). 5 submissions from 5 submitters: Uncertain significance (1); Benign (1). 3 of the submissions do not count toward it. Last evaluated 2026-01-18.

Conditions:
FNIP1-related disorder. Also called: FNIP1-related condition.

Allele frequency attached by ClinVar (database versions not stated): 1000 Genomes Project 30x 0.00031; 1000 Genomes Project 0.00040; ExAC 0.00104; gnomAD exomes 0.00122 and 0.00247; gnomAD 0.00128 and 0.00131; ESP Exome Variant Server 0.00192.

Submissions (15):

Labcorp Genetics (formerly Invitae), Labcorp
Classification: Benign. Last evaluated: 2026-01-18. Review status: criteria provided, single submitter. Criteria: Invitae Variant Classification Sherloc (09022015). Collection method: clinical testing. Allele origin: germline.

Breakthrough Genomics
Classification: Uncertain significance. Review status: criteria provided, single submitter. Criteria: ACMG Guidelines, 2015. Collection method: not provided. Allele origin: germline. Inheritance: Autosomal recessive inheritance. Affected: yes.

PreventionGenetics, part of Exact Sciences
Classification: Likely benign for FNIP1-related condition. Last evaluated: 2022-02-17. Review status: no assertion criteria provided. Collection method: clinical testing. Allele origin: germline. Not counted in ClinVar's aggregate classification.
Comment: This variant is classified as likely benign based on ACMG/AMP sequence variant interpretation guidelines (Richards et al. 2015 PMID: 25741868, with internal and published modifications).

Clinical Genetics DNA and cytogenetics Diagnostics Lab, Erasmus MC, Erasmus Medical Center
Classification: Uncertain significance. Review status: no assertion criteria provided. Collection method: clinical testing. Allele origin: germline. Affected: yes. Study: VKGL Data-share Consensus. Not counted in ClinVar's aggregate classification.

Dr. Peter K. Rogan Lab, Western University
No classification provided (evidence only). Condition: Clear cell carcinoma of kidney. Review status: no classification provided. Collection method: in vitro. Allele origin: not applicable. Functional consequence: retained intron. Not counted in ClinVar's aggregate classification.

Dr. Peter K. Rogan Lab, Western University
No classification provided (evidence only). Condition: Familial cancer of breast. Review status: no classification provided. Collection method: in vitro. Allele origin: not applicable. Functional consequence: retained intron. Not counted in ClinVar's aggregate classification.

Dr. Peter K. Rogan Lab, Western University
No classification provided (evidence only). Condition: Familial cancer of breast. Review status: no classification provided. Collection method: in vitro. Allele origin: not applicable. Functional consequence: retained intron. Not counted in ClinVar's aggregate classification.

Dr. Peter K. Rogan Lab, Western University
No classification provided (evidence only). Condition: Acute myeloid leukemia. Review status: no classification provided. Collection method: in vitro. Allele origin: not applicable. Functional consequence: retained intron. Not counted in ClinVar's aggregate classification.

Dr. Peter K. Rogan Lab, Western University
No classification provided (evidence only). Condition: Acute myeloid leukemia. Review status: no classification provided. Collection method: in vitro. Allele origin: not applicable. Functional consequence: retained intron. Not counted in ClinVar's aggregate classification.

Dr. Peter K. Rogan Lab, Western University
No classification provided (evidence only). Condition: Uterine corpus endometrial carcinoma. Review status: no classification provided. Collection method: in vitro. Allele origin: not applicable. Functional consequence: retained intron. Not counted in ClinVar's aggregate classification.

Dr. Peter K. Rogan Lab, Western University
No classification provided (evidence only). Condition: Ovarian serous cystadenocarcinoma. Review status: no classification provided. Collection method: in vitro. Allele origin: not applicable. Functional consequence: retained intron. Not counted in ClinVar's aggregate classification.

Dr. Peter K. Rogan Lab, Western University
No classification provided (evidence only). Condition: Gastric cancer. Review status: no classification provided. Collection method: in vitro. Allele origin: not applicable. Functional consequence: retained intron. Not counted in ClinVar's aggregate classification.

Dr. Peter K. Rogan Lab, Western University
No classification provided (evidence only). Condition: Gastric cancer. Review status: no classification provided. Collection method: in vitro. Allele origin: not applicable. Functional consequence: retained intron. Not counted in ClinVar's aggregate classification.

Dr. Peter K. Rogan Lab, Western University
No classification provided (evidence only). Condition: Malignant tumor of esophagus. Review status: no classification provided. Collection method: in vitro. Allele origin: not applicable. Functional consequence: retained intron. Not counted in ClinVar's aggregate classification.

Genome Diagnostics Laboratory, Amsterdam University Medical Center
Classification: Uncertain significance. Review status: no assertion criteria provided. Collection method: clinical testing. Allele origin: germline. Affected: yes. Study: VKGL Data-share Consensus. Not counted in ClinVar's aggregate classification.

NM_133372.3(FNIP1):c.1553G>A (p.Arg518Gln)

Gene: FNIP1 (folliculin interacting protein 1; minus strand). Cytogenetic location: 5q31.1.
Variant type: single nucleotide variant.
Coding change: c.1553G>A on transcript NM_133372.3 (MANE Select); coding-DNA position 1553, G replaced by A.
Protein change: p.Arg518Gln; replaces arginine 518 with glutamine.
Molecular consequence: missense variant.
Genome position (GRCh38, 1-based): chr5:131,672,891, C>T on the plus strand (G>A on the coding strand, the complement: FNIP1 is on the minus strand). VCF-style: chr5-131672891-C-T. GRCh37 (hg19) VCF-style: chr5-131008584-C-T.
Other names: c.1469G>A, p.Arg490Gln (NM_001008738.3); c.1418G>A, p.Arg473Gln (NM_001346114.2); c.1553G>A (NM_133372.2); short protein forms R473Q, R490Q, R518Q.
Identifiers: ClinVar variation 1210088 (VCV001210088.11), dbSNP rs115209326, ClinGen allele CA3400637.